The following is an entry in ClinVar:

ClinVar aggregate classification (germline): Uncertain significance (1 of 4 stars; one submission).

Submission:

GeneDx
Classification: Uncertain significance. Last evaluated: 2025-09-26. Review status: criteria provided, single submitter. Criteria: GeneDx Variant Classification Process June 2021. Collection method: clinical testing. Allele origin: germline.
Comment: Not observed at significant frequency in large population cohorts (gnomAD); In silico analysis supports that this missense variant has a deleterious effect on protein structure/function; Has not been previously published as pathogenic or benign to our knowledge

NM_024496.4(IRF2BPL):c.1625G>T (p.Arg542Leu)

Gene: IRF2BPL (interferon regulatory factor 2 binding protein like; minus strand). Cytogenetic location: 14q24.3.
Variant type: single nucleotide variant.
Coding change: c.1625G>T on transcript NM_024496.4 (MANE Select); coding-DNA position 1625, G replaced by T.
Protein change: p.Arg542Leu; replaces arginine 542 with leucine.
Molecular consequence: missense variant.
Genome position (GRCh38, 1-based): chr14:77,026,168, C>A on the plus strand (G>T on the coding strand, the complement: IRF2BPL is on the minus strand). VCF-style: chr14-77026168-C-A. GRCh37 (hg19) VCF-style: chr14-77492511-C-A.
Other names: short protein forms R542L.
Identifiers: ClinVar variation 3253331 (VCV003253331.2), dbSNP rs2503075316.